The following is an entry in ClinVar:

ClinVar aggregate classification (germline): Uncertain significance (1 of 4 stars; one submission).

Submission:

GeneDx
Classification: Uncertain significance. Last evaluated: 2023-04-18. Review status: criteria provided, single submitter. Criteria: GeneDx Variant Classification Process June 2021. Collection method: clinical testing. Allele origin: germline. Affected: yes.
Comment: Not observed at significant frequency in large population cohorts (gnomAD); In silico analysis supports that this missense variant has a deleterious effect on protein structure/function; Has not been previously published as pathogenic or benign to our knowledge

NM_001148.6(ANK2):c.1208A>C (p.His403Pro)

Gene: ANK2 (ankyrin 2; plus strand). Cytogenetic location: 4q26.
Variant type: single nucleotide variant.
Coding change: c.1208A>C on transcript NM_001148.6 (MANE Select); coding-DNA position 1208, A replaced by C.
Protein change: p.His403Pro; replaces histidine 403 with proline.
Molecular consequence: missense variant. On other transcripts: intron variant (5).
Genome position (GRCh38, 1-based): chr4:113,258,069, A>C. VCF-style: chr4-113258069-A-C. GRCh37 (hg19) VCF-style: chr4-114179225-A-C.
Other names: c.1145A>C, p.His382Pro (NM_001127493.3, NM_001354239.2, NM_001354243.2 and 14 more transcripts); c.1208A>C, p.His403Pro (NM_001354225.2, NM_001354228.2, NM_001354232.2 and 8 more transcripts); c.1253A>C, p.His418Pro (NM_001354230.2, NM_001354231.2, NM_001354237.2 and 5 more transcripts); c.1121A>C, p.His374Pro (NM_001354249.2, NM_001354260.2, NM_001354264.2 and 13 more transcripts); c.1166A>C, p.His389Pro (NM_001354261.2, NM_001386147.1, NM_001386160.1); c.1196A>C, p.His399Pro (NM_001386148.2, NM_001386186.2); c.1259A>C, p.His420Pro (NM_001386174.1); c.1235A>C, p.His412Pro (NM_001386175.1); and 4 more; short protein forms H374P, H382P, H389P, H391P, H399P, H403P, H412P, H418P.
Identifiers: ClinVar variation 2662888 (VCV002662888.1), dbSNP rs2153633620, ClinGen allele CA357927615.